The following is an entry in ClinVar:

ClinVar aggregate classification (germline): Uncertain significance. Review status: criteria provided, multiple submitters, no conflicts (2 of 4 stars). 2 submissions from 2 submitters: Uncertain significance (2). Last evaluated 2025-08-20.

Conditions:
Inborn genetic diseases. Identifiers: MedGen C0950123, MeSH D030342.

Submissions (2):

Labcorp Genetics (formerly Invitae), Labcorp
Classification: Uncertain significance. Last evaluated: 2025-08-20. Review status: criteria provided, single submitter. Criteria: Invitae Variant Classification Sherloc (09022015). Collection method: clinical testing. Allele origin: germline.
Comment: This sequence change replaces isoleucine, which is neutral and non-polar, with threonine, which is neutral and polar, at codon 303 of the KDM1A protein (p.Ile303Thr). This variant is not present in population databases (gnomAD no frequency). This variant has not been reported in the literature in individuals affected with KDM1A-related conditions. ClinVar contains an entry for this variant (Variation ID: 3863241). Invitae Evidence Modeling of protein sequence and biophysical properties (such as structural, functional, and spatial information, amino acid conservation, physicochemical variation, residue mobility, and thermodynamic stability) indicates that this missense variant is expected to disrupt KDM1A protein function with a positive predictive value of 80%. In summary, the available evidence is currently insufficient to determine the role of this variant in disease. Therefore, it has been classified as a Variant of Uncertain Significance.

Ambry Genetics
Classification: Uncertain significance for Inborn genetic diseases. Last evaluated: 2024-12-31. Review status: criteria provided, single submitter. Criteria: Ambry Variant Classification Scheme 2023. Collection method: clinical testing. Allele origin: germline.
Comment: The p.I303T variant (also known as c.908T>C), located in coding exon 7 of the KDM1A gene, results from a T to C substitution at nucleotide position 908. The isoleucine at codon 303 is replaced by threonine, an amino acid with similar properties. This amino acid position is conserved. In addition, the in silico prediction for this alteration is inconclusive. Based on the available evidence, the clinical significance of this variant remains unclear.

NM_001009999.3(KDM1A):c.908T>C (p.Ile303Thr)

Gene: KDM1A (lysine demethylase 1A; plus strand). Cytogenetic location: 1p36.12.
Variant type: single nucleotide variant.
Coding change: c.908T>C on transcript NM_001009999.3 (MANE Select); coding-DNA position 908, T replaced by C.
Protein change: p.Ile303Thr; replaces isoleucine 303 with threonine.
Molecular consequence: missense variant.
Genome position (GRCh38, 1-based): chr1:23,055,956, T>C. VCF-style: chr1-23055956-T-C. GRCh37 (hg19) VCF-style: chr1-23382449-T-C.
Other names: c.848T>C, p.Ile283Thr (NM_001363654.2, NM_001410763.1, NM_015013.4); c.908T>C, p.Ile303Thr (NM_001410762.1); short protein forms I303T, I283T.
Identifiers: ClinVar variation 3863241 (VCV003863241.2).
Genomic context (GRCh38, chr1:23,055,956, plus strand): 5'-TAAAACAAAATCTTTTTTTTCATTTTTTGCTTTTAGCTAAAAAGACAGGAAAGGTAATTA[T>C]TATAGGCTCTGGGGTCTCAGGCTTGGCAGCAGCTCGACAGTTACAAAGTTTTGGAATGGA-3'
Protein context (NP_001009999.1, residues 293-313): LPTKKTGKVI[Ile303Thr]IGSGVSGLAA